The following is an entry in ClinVar:

ClinVar aggregate classification (germline): Pathogenic/Likely pathogenic. Review status: criteria provided, multiple submitters, no conflicts (2 of 4 stars). 2 submissions from 2 submitters: Pathogenic (1); Likely pathogenic (1). Last evaluated 2023-04-07.

Conditions:
Glutaric aciduria, type 1. Also called: Glutaric acidemia type I; Glutaricacidemia Type 1; Glutaryl-CoA dehydrogenase deficiency; Glutaric Acidemia Type 1; GA I; Glutaricaciduria, type I. Identifiers: Orphanet 25, MedGen C0268595, MONDO:0009281, OMIM 231670.

Submissions (2):

Labcorp Genetics (formerly Invitae), Labcorp
Classification: Pathogenic for Glutaric aciduria, type 1. Last evaluated: 2023-04-07. Review status: criteria provided, single submitter. Criteria: Invitae Variant Classification Sherloc (09022015). Collection method: clinical testing. Allele origin: germline.
Comment: For these reasons, this variant has been classified as Pathogenic. ClinVar contains an entry for this variant (Variation ID: 2101129). This variant has not been reported in the literature in individuals affected with GCDH-related conditions. This variant is not present in population databases (gnomAD no frequency). This sequence change creates a premature translational stop signal (p.Cys115Trpfs*71) in the GCDH gene. It is expected to result in an absent or disrupted protein product. Loss-of-function variants in GCDH are known to be pathogenic (PMID: 10699052, 11854167, 16602100).

Baylor Genetics
Classification: Likely pathogenic for Glutaric aciduria, type 1. Last evaluated: 2022-07-25. Review status: criteria provided, single submitter. Criteria: ACMG Guidelines, 2015. Collection method: clinical testing. Allele origin: unknown.

Literature cited by the submitters: PubMed 10699052 (cited by Labcorp Genetics (formerly Invitae), Labcorp); PubMed 11854167 (cited by Labcorp Genetics (formerly Invitae), Labcorp); PubMed 16602100 (cited by Labcorp Genetics (formerly Invitae), Labcorp).

NM_000159.4(GCDH):c.345_349del (p.Cys115fs)

Gene: GCDH (glutaryl-CoA dehydrogenase; plus strand). Cytogenetic location: 19p13.13.
Variant type: Deletion.
Coding change: c.345_349del on transcript NM_000159.4 (MANE Select); coding-DNA positions 345 to 349, 5 bases deleted (TGCTG; older notation c.345_349delTGCTG).
Protein change: p.Cys115fs; shifts the reading frame from cysteine 115.
Molecular consequence: frameshift variant. On other transcripts: non-coding transcript variant (2).
Genome position (GRCh38, 1-based): chr19:12,893,493-12,893,497, TGCTG deleted; deleting any 5 consecutive bases within chr19:12,893,489-12,893,497 gives the same sequence; the c. name uses the placement nearest the transcript's 3' end. VCF-style (leftmost placement, unchanged base first): chr19-12893488-GGCTGT-G. GRCh37 (hg19) VCF-style: chr19-13004302-GGCTGT-G.
Other names: c.345_349del, p.Cys115fs (NM_013976.5); short protein forms C115fs.
Identifiers: ClinVar variation 2101129 (VCV002101129.5), dbSNP rs2512567782, ClinGen allele CA2580096548.